The following is an entry in ClinVar:

NM_001384732.1(CPLANE1):c.4765C>T (p.Leu1589Phe)

Gene: CPLANE1 (ciliogenesis and planar polarity effector complex subunit 1; minus strand). Cytogenetic location: 5p13.2.
Variant type: single nucleotide variant.
Coding change: c.4765C>T on transcript NM_001384732.1 (MANE Select); coding-DNA position 4765, C replaced by T.
Protein change: p.Leu1589Phe; replaces leucine 1589 with phenylalanine.
Molecular consequence: missense variant.
Genome position (GRCh38, 1-based): chr5:37,183,416, G>A on the plus strand (C>T on the coding strand, the complement: CPLANE1 is on the minus strand). VCF-style: chr5-37183416-G-A. GRCh37 (hg19) VCF-style: chr5-37183518-G-A.
Other names: c.4765C>T, p.Leu1589Phe (NM_023073.4); short protein forms L1589F.
Identifiers: ClinVar variation 353450 (VCV000353450.10), dbSNP rs751890710, ClinGen allele CA3238651.

ClinVar aggregate classification (germline): Uncertain significance. Review status: criteria provided, multiple submitters, no conflicts (2 of 4 stars). 3 submissions from 3 submitters: Uncertain significance (3). Last evaluated 2025-05-19.

Conditions:
Joubert syndrome 17 (JBTS17). Identifiers: Orphanet 475, MedGen C3553264, MONDO:0013824, OMIM 614615.
Orofaciodigital syndrome type 6 (OFD6). Also called: OROFACIODIGITAL SYNDROME VI; OFDS VI; POLYDACTYLY, CLEFT LIP/PALATE OR LINGUAL LUMP, AND PSYCHOMOTOR RETARDATION; VARADI SYNDROME; VARADI-PAPP SYNDROME; Oral-facial-digital syndrome type 6. Identifiers: Orphanet 2754, MedGen C2745997, MONDO:0010176, OMIM 277170.

Allele frequency attached by ClinVar (database versions not stated): gnomAD exomes below 0.00001 and 0.00001; ExAC 0.00002; TOPMed 0.00003.
gnomAD v4.1: 11 of 1,613,448 alleles (0.00068%); highest among the groups gnomAD compares: African/African-American, 0.0013%; no homozygotes.

Submissions (3):

Labcorp Genetics (formerly Invitae), Labcorp
Classification: Uncertain significance. Last evaluated: 2025-05-19. Review status: criteria provided, single submitter. Criteria: Invitae Variant Classification Sherloc (09022015). Collection method: clinical testing. Allele origin: germline.
Comment: This sequence change replaces leucine, which is neutral and non-polar, with phenylalanine, which is neutral and non-polar, at codon 1589 of the CPLANE1 protein (p.Leu1589Phe). This variant is present in population databases (rs751890710, gnomAD 0.007%). This variant has not been reported in the literature in individuals affected with CPLANE1-related conditions. ClinVar contains an entry for this variant (Variation ID: 353450). Invitae Evidence Modeling of protein sequence and biophysical properties (such as structural, functional, and spatial information, amino acid conservation, physicochemical variation, residue mobility, and thermodynamic stability) indicates that this missense variant is not expected to disrupt CPLANE1 protein function with a negative predictive value of 95%. In summary, the available evidence is currently insufficient to determine the role of this variant in disease. Therefore, it has been classified as a Variant of Uncertain Significance.

Fulgent Genetics
Classification: Uncertain significance for Orofaciodigital syndrome type 6; Joubert syndrome 17. Last evaluated: 2024-05-29. Review status: criteria provided, single submitter. Criteria: ACMG Guidelines, 2015. Collection method: clinical testing. Allele origin: germline.

Illumina Laboratory Services, Illumina
Classification: Uncertain significance for Joubert syndrome 17. Last evaluated: 2018-01-13. Review status: criteria provided, single submitter. Criteria: ICSL Variant Classification Criteria 13 December 2019. Collection method: clinical testing. Allele origin: germline.